The following is an entry in ClinVar:

ClinVar aggregate classification (germline): Pathogenic (1 of 4 stars; one submission).

Conditions:
Familial X-linked hypophosphatemic vitamin D refractory rickets (XLHRD). Also called: X-Linked Hypophosphatemia; Hypophosphatemic Rickets, X-Linked Dominant; Hypophosphatemia, vitamin D-resistant rickets; Vitamin D-resistant rickets, X-linked; HYPOPHOSPHATEMIC VITAMIN D-RESISTANT RICKETS. Identifiers: Orphanet 89936, MedGen C0733682, MONDO:0010619, OMIM 307800.

Submission:

Women's Health and Genetics/Laboratory Corporation of America, LabCorp
Classification: Pathogenic for Familial X-linked hypophosphatemic vitamin D refractory rickets. Last evaluated: 2023-09-06. Review status: criteria provided, single submitter. Criteria: LabCorp Variant Classification Summary - May 2015. Collection method: clinical testing. Allele origin: germline.
Comment: Variant summary: PHEX c.1808G>A (p.Trp603X) results in a premature termination codon, predicted to cause a truncation of the encoded protein or absence of the protein due to nonsense mediated decay, which are commonly known mechanisms for disease. The variant was absent in 183306 control chromosomes. To our knowledge, no occurrence of c.1808G>A in individuals affected with X-Linked Hypophosphatemic Rickets and no experimental evidence demonstrating its impact on protein function have been reported. No submitters have cited clinical-significance assessments for this variant to ClinVar after 2014. Based on the evidence outlined above, the variant was classified as pathogenic.

NM_000444.6(PHEX):c.1808G>A (p.Trp603Ter)

Genes: PHEX (phosphate regulating endopeptidase X-linked; plus strand), PTCHD1-AS (PTCHD1 and PHEX antisense RNA; minus strand). Cytogenetic location: Xp22.11.
Variant type: single nucleotide variant.
Coding change: c.1808G>A on transcript NM_000444.6 (MANE Select); coding-DNA position 1808, G replaced by A.
Protein change: p.Trp603Ter; replaces tryptophan 603 with a stop codon.
Molecular consequence: nonsense.
Genome position (GRCh38, 1-based): chrX:22,221,652, G>A. VCF-style: chrX-22221652-G-A. GRCh37 (hg19) VCF-style: chrX-22239769-G-A.
Other names: c.1808G>A, p.Trp603Ter (NM_001282754.2); short protein forms W603*.
Identifiers: ClinVar variation 2627120 (VCV002627120.1), dbSNP rs1398473794, ClinGen allele CA412573591.